The following is an entry in ClinVar:

ClinVar aggregate classification (germline): Uncertain significance (1 of 4 stars; one submission).

Allele frequency attached by ClinVar (database versions not stated): gnomAD exomes below 0.00001.
gnomAD v4.1: 4 of 1,591,386 alleles (0.00025%); highest among the groups gnomAD compares: Non-Finnish European, 0.00034%; no homozygotes.

Submission:

GeneDx
Classification: Uncertain significance. Last evaluated: 2019-06-13. Review status: criteria provided, single submitter. Criteria: GeneDx Variant Classification Process June 2021. Collection method: clinical testing. Allele origin: germline. Affected: yes.
Comment: Not observed in large population cohorts (Lek et al., 2016); In silico analysis, which includes protein predictors and evolutionary conservation, supports that this variant does not alter protein structure/function; Has not been previously published as pathogenic or benign to our knowledge

NM_007118.4(TRIO):c.8614G>A (p.Ala2872Thr)

Gene: TRIO (trio Rho guanine nucleotide exchange factor; plus strand). Cytogenetic location: 5p15.2.
Variant type: single nucleotide variant.
Coding change: c.8614G>A on transcript NM_007118.4 (MANE Select); coding-DNA position 8614, G replaced by A.
Protein change: p.Ala2872Thr; replaces alanine 2872 with threonine.
Molecular consequence: missense variant. On other transcripts: non-coding transcript variant (1).
Genome position (GRCh38, 1-based): chr5:14,507,123, G>A. VCF-style: chr5-14507123-G-A. GRCh37 (hg19) VCF-style: chr5-14507232-G-A.
Other names: short protein forms A2872T.
Identifiers: ClinVar variation 1306351 (VCV001306351.2), dbSNP rs2126719484, ClinGen allele CA359240333.